The following is an entry in ClinVar:

ClinVar aggregate classification (germline): Likely pathogenic (1 of 4 stars; one submission).

Conditions:
TH-deficient dopa-responsive dystonia. Also called: Tyrosine Hydroxylase-Deficient Dopa-Responsive Dystonia; Segawa syndrome, autosomal recessive; DYT-TH. Identifiers: Orphanet 101150, MedGen C2673535, MONDO:0011551, OMIM 605407.

Submission:

Natera, Inc.
Classification: Likely pathogenic for Autosomal recessive Segawa syndrome. Last evaluated: 2025-03-29. Review status: criteria provided, single submitter. Criteria: Natera Variant Classification Schema (03/2026). Collection method: clinical testing. Allele origin: germline.
Comment: The c.836_838delinsCTACGCCA variant in TH is a frameshift variant predicted to shift the reading frame beginning at codon 279 and leads to a stop codon 34 codons downstream. This variant is expected to result in nonsense mediated decay, truncation, or a dysfunctional protein product. This variant is rare in the general population with a frequency below the threshold expected for the associated phenotype(s). Given the available evidence, this variant is classified as Likely Pathogenic.

NM_000360.4(TH):c.743_745delinsCTACGCCA (p.Cys248fs)

Gene: TH (tyrosine hydroxylase; minus strand). Cytogenetic location: 11p15.5.
Variant type: Indel.
Coding change: c.743_745delinsCTACGCCA on transcript NM_000360.4 (MANE Select); coding-DNA positions 743 to 745, GCG replaced by CTACGCCA.
Protein change: p.Cys248fs; shifts the reading frame from cysteine 248.
Molecular consequence: frameshift variant. On other transcripts: intron variant (2).
Genome position (GRCh38, 1-based): chr11:2,166,983-2,166,985, CGC replaced by TGGCGTAG on the plus strand (GCG replaced by CTACGCCA on the coding strand, the reverse complement: TH is on the minus strand). VCF-style: chr11-2166983-CGC-TGGCGTAG. GRCh37 (hg19) VCF-style: chr11-2188213-CGC-TGGCGTAG.
Other names: c.755_757delinsCTACGCCA, p.Cys252fs (NM_001440535.1); c.836_838delinsCTACGCCA, p.Cys279fs (NM_199292.3); c.824_826delinsCTACGCCA, p.Cys275fs (NM_199293.3); c.696-436_696-434delinsCTACGCCA (NM_001440537.1); c.708-436_708-434delinsCTACGCCA (NM_001440536.1); short protein forms C248fs, C252fs, C275fs, C279fs.
Identifiers: ClinVar variation 4817048 (VCV004817048.1).
Genomic context (GRCh38, chr11:2,166,983, plus strand): 5'-TATTGTCTTCCCGGTAGCCGCTGAAGCGCTCCAGCAAAGCAAAGGCCTCCAGGTGCTCCC[CGC>TGGCGTAG]AGGCGTGCGTGGCGTAGAGGCCCTTCAGCGTGGTGTAGACCTCCTTCCTGCGGGCAGCCA-3'